The following is an entry in ClinVar:

ClinVar aggregate classification (germline): Pathogenic. Review status: criteria provided, single submitter (1 of 4 stars). 2 submissions from 2 submitters: Pathogenic (1). 1 of the submissions does not count toward it. Last evaluated 2023-05-10.

Conditions:
Familial adenomatous polyposis 1 (FAP1). Also called: FAMILIAL ADENOMATOUS POLYPOSIS 1, ATTENUATED; POLYPOSIS, ADENOMATOUS INTESTINAL. Identifiers: MedGen C2713442, MONDO:0021056, OMIM 175100. Disease mechanism: loss of function.

Submissions (2):

Myriad Genetics, Inc.
Classification: Pathogenic for Familial adenomatous polyposis 1. Last evaluated: 2023-05-10. Review status: criteria provided, single submitter. Criteria: Myriad Autosomal Dominant, Autosomal Recessive and X-Linked Classification Criteria (2023). Collection method: clinical testing. Allele origin: unknown.
Comment: This variant is considered pathogenic. This variant creates a termination codon and is predicted to result in premature protein truncation.

Mayo Clinic Laboratories, Mayo Clinic
Classification: Likely pathogenic. Review status: no assertion criteria provided. Collection method: research. Allele origin: unknown. Observed: 1 variant allele. Not counted in ClinVar's aggregate classification.

NM_000038.6(APC):c.4075A>T (p.Lys1359Ter)

Gene: APC (APC regulator of Wnt signaling pathway; plus strand). Cytogenetic location: 5q22.2.
Variant type: single nucleotide variant.
Coding change: c.4075A>T on transcript NM_000038.6 (MANE Select); coding-DNA position 4075, A replaced by T.
Protein change: p.Lys1359Ter; replaces lysine 1359 with a stop codon.
Molecular consequence: nonsense.
Genome position (GRCh38, 1-based): chr5:112,839,669, A>T. VCF-style: chr5-112839669-A-T. GRCh37 (hg19) VCF-style: chr5-112175366-A-T.
Other names: c.4075A>T, p.Lys1359Ter (NM_001127510.3, NM_001354895.2); c.4021A>T, p.Lys1341Ter (NM_001127511.3); c.4129A>T, p.Lys1377Ter (NM_001354896.2); c.4105A>T, p.Lys1369Ter (NM_001354897.2); c.4000A>T, p.Lys1334Ter (NM_001354898.2); c.3991A>T, p.Lys1331Ter (NM_001354899.2); c.3952A>T, p.Lys1318Ter (NM_001354900.2); c.3898A>T, p.Lys1300Ter (NM_001354901.2); and 5 more; short protein forms K1341*, K1359*, K1233*, K1199*, K1258*, K1334*, K1076*, K1300*.
Identifiers: ClinVar variation 217977 (VCV000217977.7), dbSNP rs863225352, ClinGen allele CA279817.
Genomic context (GRCh38, chr5:112,839,669, plus strand): 5'-GGTTCTAGTTTATCTTCAGAATCAGCCAGGCACAAAGCTGTTGAATTTTCTTCAGGAGCG[A>T]AATCTCCCTCCAAAAGTGGTGCTCAGACACCCAAAAGTCCACCTGAACACTATGTTCAGG-3'